The following is an entry in ClinVar:

NM_020738.4(KIDINS220):c.3027T>A (p.Ile1009=)

Gene: KIDINS220 (kinase D interacting substrate 220; minus strand). Cytogenetic location: 2p25.1.
Variant type: single nucleotide variant.
Coding change: c.3027T>A on transcript NM_020738.4 (MANE Select); coding-DNA position 3027, T replaced by A.
Protein change: p.Ile1009=; no amino-acid change (isoleucine 1009 retained).
Molecular consequence: synonymous variant. On other transcripts: non-coding transcript variant (2).
Genome position (GRCh38, 1-based): chr2:8,751,629, A>T on the plus strand (T>A on the coding strand, the complement: KIDINS220 is on the minus strand). VCF-style: chr2-8751629-A-T. GRCh37 (hg19) VCF-style: chr2-8891759-A-T.
Other names: c.3030T>A, p.Ile1010= (NM_001348729.2, NM_001348731.2, NM_001348734.2 and 2 more transcripts); c.3027T>A, p.Ile1009= (NM_001348732.2, NM_001348735.2, NM_001348738.2 and 3 more transcripts); c.2901T>A, p.Ile967= (NM_001348736.2); c.3027T>A (NM_020738.2).
Identifiers: ClinVar variation 3622307 (VCV003622307.3).

ClinVar aggregate classification (germline): Likely benign. Review status: criteria provided, multiple submitters, no conflicts (2 of 4 stars). 2 submissions from 2 submitters: Likely benign (2). Last evaluated 2026-08-31.

Conditions:
KIDINS220-related disorder. Also called: KIDINS220-related condition.

Submissions (2):

PreventionGenetics, part of Exact Sciences
Classification: Likely benign for KIDINS220-related condition. Last evaluated: 2026-08-31. Review status: criteria provided, single submitter. Criteria: ACMG Guidelines, 2015. Collection method: clinical testing. Allele origin: germline.
Comment: This variant is classified as likely benign based on ACMG/AMP sequence variant interpretation guidelines (Richards et al. 2015 PMID: 25741868, with internal and published modifications).

Labcorp Genetics (formerly Invitae), Labcorp
Classification: Likely benign. Last evaluated: 2024-02-08. Review status: criteria provided, single submitter. Criteria: Invitae Variant Classification Sherloc (09022015). Collection method: clinical testing. Allele origin: germline.